The following is an entry in ClinVar:

NM_006939.4(SOS2):c.1069-154G>T

Gene: SOS2 (SOS Ras/Rho guanine nucleotide exchange factor 2; minus strand). Cytogenetic location: 14q21.3.
Variant type: single nucleotide variant.
Coding change: c.1069-154G>T on transcript NM_006939.4 (MANE Select); 154 bases into the intron before coding-DNA position 1069, G replaced by T.
Molecular consequence: intron variant.
Genome position (GRCh38, 1-based): chr14:50,161,763, C>A on the plus strand (G>T on the coding strand, the complement: SOS2 is on the minus strand). VCF-style: chr14-50161763-C-A. GRCh37 (hg19) VCF-style: chr14-50628481-C-A.
Identifiers: ClinVar variation 561597 (VCV000561597.1), dbSNP rs12717405, ClinGen allele CA260737677.

ClinVar aggregate classification (germline): Benign (1 of 4 stars; one submission).

Allele frequency attached by ClinVar (database versions not stated): gnomAD 0.98374; TOPMed 0.98989; 1000 Genomes Project 0.99481; 1000 Genomes Project 30x 0.99563.
gnomAD v4.1: 149,156 of 151,222 alleles (99%); highest among the groups gnomAD compares: Middle Eastern, 100%; 73,583 homozygotes.

Submission:

GeneDx
Classification: Benign. Last evaluated: 2018-06-14. Review status: criteria provided, single submitter. Criteria: GeneDx Variant Classification (06012015). Collection method: clinical testing. Allele origin: germline. Affected: yes.
Comment: This variant is considered likely benign or benign based on one or more of the following criteria: it is a conservative change, it occurs at a poorly conserved position in the protein, it is predicted to be benign by multiple in silico algorithms, and/or has population frequency not consistent with disease.